The following is an entry in ClinVar:

ClinVar aggregate classification (germline): Uncertain significance (1 of 4 stars; one submission).

Conditions:
Hereditary diffuse gastric adenocarcinoma (HDGC). Also called: DIFFUSE GASTRIC AND LOBULAR BREAST CANCER SYNDROME. Identifiers: Orphanet 26106, MedGen C1708349, MONDO:0007648, OMIM 137215.

gnomAD v4.1: 1 of 1,613,722 alleles (0.000062%); highest among the groups gnomAD compares: Non-Finnish European, 0.000085%; no homozygotes.

Submission:

Labcorp Genetics (formerly Invitae), Labcorp
Classification: Uncertain significance for Hereditary diffuse gastric adenocarcinoma. Last evaluated: 2022-02-11. Review status: criteria provided, single submitter. Criteria: Invitae Variant Classification Sherloc (09022015). Collection method: clinical testing. Allele origin: germline.
Comment: This sequence change falls in intron 13 of the CDH1 gene. It does not directly change the encoded amino acid sequence of the CDH1 protein. This variant is not present in population databases (gnomAD no frequency). This variant has not been reported in the literature in individuals affected with CDH1-related conditions. Algorithms developed to predict the effect of sequence changes on RNA splicing suggest that this variant may disrupt the consensus splice site. In summary, the available evidence is currently insufficient to determine the role of this variant in disease. Therefore, it has been classified as a Variant of Uncertain Significance.

NM_004360.5(CDH1):c.2165-9C>G

Gene: CDH1 (cadherin 1; plus strand). Cytogenetic location: 16q22.1.
Variant type: single nucleotide variant.
Coding change: c.2165-9C>G on transcript NM_004360.5 (MANE Select); 9 bases into the intron before coding-DNA position 2165, C replaced by G.
Molecular consequence: intron variant.
Genome position (GRCh38, 1-based): chr16:68,828,165, C>G. VCF-style: chr16-68828165-C-G. GRCh37 (hg19) VCF-style: chr16-68862068-C-G.
Other names: c.617-9C>G (NM_001317185.2); c.200-9C>G (NM_001317186.2); c.1982-9C>G (NM_001317184.2).
Identifiers: ClinVar variation 2096314 (VCV002096314.4), dbSNP rs1596970607, ClinGen allele CA2580091886.